The following is an entry in ClinVar:

ClinVar aggregate classification (germline): Pathogenic (1 of 4 stars; one submission).

Conditions:
Primary ciliary dyskinesia 5. Also called: CILIARY DYSKINESIA, PRIMARY, 5, WITHOUT SITUS INVERSUS. Identifiers: Orphanet 244, MedGen C1837615, MONDO:0012088, OMIM 608647.

Submission:

Royal Brompton Clinical Genetics And Genomics Laboratory, NHS South East Genomic Laboratory Hub
Classification: Pathogenic for Primary ciliary dyskinesia 5. Last evaluated: 2024-03-06. Review status: criteria provided, single submitter. Criteria: RBHT-CGGL ClinVar Assertion Criteria. Collection method: clinical testing. Allele origin: germline. Affected: yes. Observed: 1 variant allele.

NM_001270974.2(HYDIN):c.13709del (p.Pro4570fs)

Gene: HYDIN (HYDIN axonemal central pair apparatus protein; minus strand). Cytogenetic location: 16q22.2.
Variant type: Deletion.
Coding change: c.13709del on transcript NM_001270974.2 (MANE Select); coding-DNA position 13709, one base deleted (C; older notation c.13709delC).
Protein change: p.Pro4570fs; shifts the reading frame from proline 4570.
Molecular consequence: frameshift variant.
Genome position (GRCh38, 1-based): chr16:70,833,038, G deleted on the plus strand (C on the coding strand, the reverse complement: HYDIN is on the minus strand); the first of 2 consecutive G bases (chr16:70,833,038-70,833,039); deleting either gives the same sequence. VCF-style (leftmost placement, unchanged base first): chr16-70833037-AG-A. GRCh37 (hg19) VCF-style: chr16-70866940-AG-A.
Other names: short protein forms P4570fs.
Identifiers: ClinVar variation 3027487 (VCV003027487.1), dbSNP rs2507882445, ClinGen allele CA2740093412.